The following is an entry in ClinVar:

ClinVar aggregate classification (germline): Uncertain significance (1 of 4 stars; one submission).

Conditions:
Hereditary cancer-predisposing syndrome. Also called: Neoplastic Syndromes, Hereditary; Tumor predisposition; Hereditary Cancer Syndrome; Hereditary neoplastic syndrome. Identifiers: Orphanet 140162, MedGen C0027672, MeSH D009386, MONDO:0015356.

Submission:

Ambry Genetics
Classification: Uncertain significance for Hereditary cancer-predisposing syndrome. Last evaluated: 2026-03-09. Review status: criteria provided, single submitter. Criteria: Ambry Variant Classification Scheme 2023. Collection method: clinical testing. Allele origin: germline.
Comment: The c.2912_2913delAA variant, located in coding exon 20 of the TSC1 gene, results from a deletion of two nucleotides at nucleotide positions 2912 to 2913, causing a translational frameshift with a predicted alternate stop codon (p.K971Rfs*8). This variant occurs at the 3' terminus of the gene, is not expected to trigger nonsense-mediated mRNAdecay, and impacts the last 16% of the protein. The exact functional effect of this variant is unknown. Based on the available evidence, the clinical significance of this variant remains unclear.

NM_000368.5(TSC1):c.2912_2913del (p.Lys971fs)

Gene: TSC1 (TSC complex subunit 1; minus strand). Cytogenetic location: 9q34.13.
Variant type: Deletion.
Coding change: c.2912_2913del on transcript NM_000368.5 (MANE Select); coding-DNA positions 2912 to 2913, 2 bases deleted (AA; older notation c.2912_2913delAA).
Protein change: p.Lys971fs; shifts the reading frame from lysine 971.
Molecular consequence: frameshift variant. On other transcripts: non-coding transcript variant (5).
Genome position (GRCh38, 1-based): chr9:132,897,246-132,897,247, TT deleted on the plus strand (AA on the coding strand, the reverse complement: TSC1 is on the minus strand); deleting any 2 consecutive bases within chr9:132,897,246-132,897,248 gives the same sequence; the c. name uses the placement nearest the transcript's 3' end. VCF-style (leftmost placement, unchanged base first): chr9-132897245-CTT-C. GRCh37 (hg19) VCF-style: chr9-135772632-CTT-C.
Other names: c.2546_2547del, p.Lys849fs (NM_001406623.1, NM_001406620.1, NM_001406621.1 and 1 more transcripts); c.2507_2508del, p.Lys836fs (NM_001406624.1); c.2504_2505del, p.Lys835fs (NM_001406625.1); c.1961_1962del, p.Lys654fs (NM_001406626.1); c.1958_1959del, p.Lys653fs (NM_001406627.1, NM_001406628.1); c.1859_1860del, p.Lys620fs (NM_001406629.1, NM_001406630.1); c.2909_2910del, p.Lys970fs (NM_001162426.2, NM_001406597.1, NM_001406598.1 and 2 more transcripts); c.2759_2760del, p.Lys920fs (NM_001162427.2, NM_001406610.1); and 9 more; short protein forms K653fs, K836fs, K850fs, K654fs, K835fs, K919fs, K971fs, K920fs.
Identifiers: ClinVar variation 4825800 (VCV004825800.1).
Genomic context (GRCh38, chr9:132,897,245, plus strand): 5'-TTTCTTCTGCTGCTTCAGCTGCTTCTGCTTTTTCTTCTTCAAGTTTTTTCAGGAGGCCAT[CTT>C]TCTCCAACCTGCCATATAAATCTAAGATCTCCAATTCAAACACCTGGGTTATCCTTTTCT-3'